The following is an entry in ClinVar:

NM_080759.6(DACH1):c.438C>T (p.Ser146=)

Gene: DACH1 (dachshund family transcription factor 1; minus strand). Cytogenetic location: 13q21.33.
Variant type: single nucleotide variant.
Coding change: c.438C>T on transcript NM_080759.6 (MANE Select); coding-DNA position 438, C replaced by T.
Protein change: p.Ser146=; no amino-acid change (serine 146 retained).
Molecular consequence: synonymous variant.
Genome position (GRCh38, 1-based): chr13:71,866,332, G>A on the plus strand (C>T on the coding strand, the complement: DACH1 is on the minus strand). VCF-style: chr13-71866332-G-A. GRCh37 (hg19) VCF-style: chr13-72440464-G-A.
Other names: c.438C>T, p.Ser146= (NM_001366712.1, NM_004392.7, NM_080760.6).
Identifiers: ClinVar variation 3777892 (VCV003777892.7).

ClinVar aggregate classification (germline): Likely benign (1 of 4 stars; one submission).

gnomAD v4.1: 25 of 1,529,648 alleles (0.0016%); highest among the groups gnomAD compares: South Asian, 0.0024%; no homozygotes.

Submission:

CeGaT Center for Human Genetics Tuebingen
Classification: Likely benign. Last evaluated: 2025-03-01. Review status: criteria provided, single submitter. Criteria: CeGaT Center For Human Genetics Tuebingen Variant Classification Criteria Version 2. Collection method: clinical testing. Allele origin: germline. Affected: yes. Observed: 1 variant allele.
Comment: DACH1: BP4, BP7